The following is an entry in ClinVar:

NM_000123.4(ERCC5):c.2323C>G (p.Leu775Val)

Genes: BIVM-ERCC5 (BIVM-ERCC5 readthrough; plus strand), ERCC5 (ERCC excision repair 5, endonuclease; plus strand), LOC126861834 (BRD4-independent group 4 enhancer GRCh37_chr13:103518038-103519237; plus strand). Cytogenetic location: 13q33.1.
Variant type: single nucleotide variant.
Coding change: c.2323C>G on transcript NM_000123.4 (MANE Select); coding-DNA position 2323, C replaced by G.
Protein change: p.Leu775Val; replaces leucine 775 with valine.
Molecular consequence: missense variant.
Genome position (GRCh38, 1-based): chr13:102,866,635, C>G. VCF-style: chr13-102866635-C-G. GRCh37 (hg19) VCF-style: chr13-103518985-C-G.
Other names: c.3685C>G, p.Leu1229Val (NM_001204425.2); short protein forms L1229V, L775V.
Identifiers: ClinVar variation 1809823 (VCV001809823.1), dbSNP rs1165076825, ClinGen allele CA388576202.

ClinVar aggregate classification (germline): Uncertain significance (1 of 4 stars; one submission).

Allele frequency attached by ClinVar (database versions not stated): TOPMed 0.00001.
gnomAD v4.1: 30 of 1,613,174 alleles (0.0019%); highest among the groups gnomAD compares: Non-Finnish European, 0.0024%; no homozygotes.

Submission:

GeneDx
Classification: Uncertain significance. Last evaluated: 2022-06-28. Review status: criteria provided, single submitter. Criteria: GeneDx Variant Classification Process June 2021. Collection method: clinical testing. Allele origin: germline. Affected: yes.
Comment: Not observed at significant frequency in large population cohorts (gnomAD); In silico analysis supports that this missense variant has a deleterious effect on protein structure/function; Has not been previously published as pathogenic or benign to our knowledge